The following is an entry in ClinVar:

ClinVar aggregate classification (germline): Likely benign (0 of 4 stars; one submission).

Conditions:
DHX16-related disorder. Also called: DHX16-related condition.

Allele frequency attached by ClinVar (database versions not stated): TOPMed below 0.00001; gnomAD exomes 0.00001.
gnomAD v4.1: 9 of 1,613,038 alleles (0.00056%); highest among the groups gnomAD compares: Middle Eastern, 0.016%; no homozygotes.

Submission:

PreventionGenetics, part of Exact Sciences
Classification: Likely benign for DHX16-related condition. Last evaluated: 2020-02-26. Review status: no assertion criteria provided. Collection method: clinical testing. Allele origin: germline.
Comment: This variant is classified as likely benign based on ACMG/AMP sequence variant interpretation guidelines (Richards et al. 2015 PMID: 25741868, with internal and published modifications).

NM_003587.5(DHX16):c.447-6C>A

Gene: DHX16 (DEAH-box helicase 16; minus strand). Cytogenetic location: 6p21.33.
Variant type: single nucleotide variant.
Coding change: c.447-6C>A on transcript NM_003587.5 (MANE Select); 6 bases into the intron before coding-DNA position 447, C replaced by A.
Molecular consequence: intron variant.
Genome position (GRCh38, 1-based): chr6:30,670,958, G>T on the plus strand (C>A on the coding strand, the complement: DHX16 is on the minus strand). VCF-style: chr6-30670958-G-T. GRCh37 (hg19) VCF-style: chr6-30638735-G-T.
Other names: c.267-6C>A (NM_001164239.2); c.-1673-6C>A (NM_001363515.2).
Identifiers: ClinVar variation 3051276 (VCV003051276.2), dbSNP rs188894166, ClinGen allele CA1618827416.
Genomic context (GRCh38, chr6:30,670,958, plus strand): 5'-TGTCCGTTCCCACTCATCTTCCGACTCTGGCTTCTCTGTCTGCTGTTTACTCCCCCTGCA[G>T]CCCATCCAGGGGATTAAATAAGGGCATAGAGAACACTTCAGCCTGCCCCATCCTCTCTCA-3'